The following is an entry in ClinVar:

ClinVar aggregate classification (germline): Uncertain significance (1 of 4 stars; one submission).

Conditions:
Cone-rod dystrophy 6 (CORD6). Also called: RETINAL CONE DYSTROPHY 2; Cone dystrophy progressive. Identifiers: Orphanet 1872, MedGen C1866293, MONDO:0011143, OMIM 601777.
Leber congenital amaurosis 1 (LCA1). Also called: Congenital absence of the rods and cones; Leber's congenital tapetoretinal degeneration; Leber's congenital tapetoretinal dysplasia; AMAUROSIS CONGENITA OF LEBER I; RETINAL BLINDNESS, CONGENITAL. Identifiers: Orphanet 65, MedGen C2931258, MONDO:0008764, OMIM 204000.

Allele frequency attached by ClinVar (database versions not stated): gnomAD exomes 0.00001; ExAC 0.00003.
gnomAD v4.1: 15 of 1,613,950 alleles (0.00093%); highest among the groups gnomAD compares: South Asian, 0.015%; no homozygotes.

Submission:

Labcorp Genetics (formerly Invitae), Labcorp
Classification: Uncertain significance for Leber congenital amaurosis 1; Cone-rod dystrophy 6. Last evaluated: 2025-04-16. Review status: criteria provided, single submitter. Criteria: Invitae Variant Classification Sherloc (09022015). Collection method: clinical testing. Allele origin: germline.
Comment: This sequence change replaces methionine, which is neutral and non-polar, with isoleucine, which is neutral and non-polar, at codon 536 of the GUCY2D protein (p.Met536Ile). This variant is present in population databases (rs759173115, gnomAD 0.01%). This variant has not been reported in the literature in individuals affected with GUCY2D-related conditions. ClinVar contains an entry for this variant (Variation ID: 1046795). Invitae Evidence Modeling of protein sequence and biophysical properties (such as structural, functional, and spatial information, amino acid conservation, physicochemical variation, residue mobility, and thermodynamic stability) indicates that this missense variant is not expected to disrupt GUCY2D protein function with a negative predictive value of 80%. In summary, the available evidence is currently insufficient to determine the role of this variant in disease. Therefore, it has been classified as a Variant of Uncertain Significance.

NM_000180.4(GUCY2D):c.1608G>A (p.Met536Ile)

Gene: GUCY2D (guanylate cyclase 2D, retinal; plus strand). Cytogenetic location: 17p13.1.
Variant type: single nucleotide variant.
Coding change: c.1608G>A on transcript NM_000180.4 (MANE Select); coding-DNA position 1608, G replaced by A.
Protein change: p.Met536Ile; replaces methionine 536 with isoleucine.
Molecular consequence: missense variant.
Genome position (GRCh38, 1-based): chr17:8,007,972, G>A. VCF-style: chr17-8007972-G-A. GRCh37 (hg19) VCF-style: chr17-7911290-G-A.
Other names: short protein forms M536I.
Identifiers: ClinVar variation 1046795 (VCV001046795.7), dbSNP rs759173115, ClinGen allele CA8365826.